The following is an entry in ClinVar:

ClinVar aggregate classification (germline): Uncertain significance (1 of 4 stars; one submission).

Conditions:
Inborn genetic diseases. Identifiers: MedGen C0950123, MeSH D030342.

gnomAD v4.1: 2 of 1,603,342 alleles (0.00012%); highest among the groups gnomAD compares: Non-Finnish European, 0.00017%; no homozygotes.

Submission:

Ambry Genetics
Classification: Uncertain significance for Inborn genetic diseases. Last evaluated: 2026-03-11. Review status: criteria provided, single submitter. Criteria: Ambry Variant Classification Scheme 2023. Collection method: clinical testing. Allele origin: germline.
Comment: The p.T467S variant (also known as c.1400C>G), located in coding exon 8 of the ERCC6L2 gene, results from a C to G substitution at nucleotide position 1400. The threonine at codon 467 is replaced by serine, an amino acid with similar properties. This amino acid position is conserved. In addition, this alteration is predicted to be tolerated by in silico analysis. Based on the available evidence, the clinical significance of this variant remains unclear.

NM_020207.7(ERCC6L2):c.1400C>G (p.Thr467Ser)

Gene: ERCC6L2 (ERCC excision repair 6 like 2; plus strand). Cytogenetic location: 9q22.32.
Variant type: single nucleotide variant.
Coding change: c.1400C>G on transcript NM_020207.7 (MANE Select); coding-DNA position 1400, C replaced by G.
Protein change: p.Thr467Ser; replaces threonine 467 with serine.
Molecular consequence: missense variant. On other transcripts: non-coding transcript variant (1).
Genome position (GRCh38, 1-based): chr9:95,922,405, C>G. VCF-style: chr9-95922405-C-G. GRCh37 (hg19) VCF-style: chr9-98684687-C-G.
Other names: c.1400C>G, p.Thr467Ser (NM_001010895.4, NM_001375291.1, NM_001375292.1 and 2 more transcripts); short protein forms T467S.
Identifiers: ClinVar variation 4827690 (VCV004827690.1).